The following is an entry in ClinVar:

ClinVar aggregate classification (germline): Conflicting classifications of pathogenicity. Review status: criteria provided, conflicting classifications (1 of 4 stars). 2 submissions from 2 submitters: Likely pathogenic (1); Uncertain significance (1). Last evaluated 2024-05-02.

Conditions:
Deficiency of iodide peroxidase (TDH2A). Also called: HYPOTHYROIDISM, CONGENITAL, DUE TO DYSHORMONOGENESIS, 2A; IODIDE PEROXIDASE DEFICIENCY; Thyroid dyshormonogenesis 2A; THYROID HORMONOGENESIS, GENETIC DEFECT IN, 2A; THYROID PEROXIDASE DEFICIENCY. Identifiers: Orphanet 95716, MedGen C1291299, MONDO:0010133, OMIM 274500.

gnomAD v4.1: 1 of 1,609,406 alleles (0.000062%); highest among the groups gnomAD compares: East Asian, 0.0022%; no homozygotes.

Submissions (2):

Women's Health and Genetics/Laboratory Corporation of America, LabCorp
Classification: Uncertain significance. Last evaluated: 2024-05-02. Review status: criteria provided, single submitter. Criteria: LabCorp Variant Classification Summary - May 2015. Collection method: clinical testing. Allele origin: germline.
Comment: Variant summary: TPO c.961A>G (p.Thr321Ala) results in a non-conservative amino acid change in the encoded protein sequence. Five of five in-silico tools predict a damaging effect of the variant on protein function. The variant allele was found at a frequency of 4.2e-06 in 238444 control chromosomes. The available data on variant occurrences in the general population are insufficient to allow any conclusion about variant significance. c.961A>G has been reported in the literature in at-least one individual affected with congenital hypothyroidism (example: Li_2011). These data do not allow any conclusion about variant significance. To our knowledge, no experimental evidence demonstrating an impact on protein function has been reported. The following publication has been ascertained in the context of this evaluation (PMID: 22093430). No submitters have cited clinical-significance assessments for this variant to ClinVar. Based on the evidence outlined above, the variant was classified as uncertain significance.

Juno Genomics, Hangzhou Juno Genomics, Inc
Classification: Likely pathogenic for Deficiency of iodide peroxidase. Review status: criteria provided, single submitter. Criteria: ACMG Guidelines, 2015. Collection method: clinical testing. Allele origin: germline.
Comment: Absent from controls (or at extremely low frequency if recessive) in Genome Aggregation Database.;Multiple lines of computational evidence support a deleterious effect on the gene or gene product.;For recessive disorders, detected in trans with a pathogenic variant.;Patient's phenotype or family history is highly specific for a disease with a single genetic etiology.

Literature cited by the submitters: PubMed 22093430 (cited by Women's Health and Genetics/Laboratory Corporation of America, LabCorp).

NM_001206744.2(TPO):c.961A>G (p.Thr321Ala)

Gene: TPO (thyroid peroxidase; plus strand). Cytogenetic location: 2p25.3.
Variant type: single nucleotide variant.
Coding change: c.961A>G on transcript NM_001206744.2 (MANE Select); coding-DNA position 961, A replaced by G.
Protein change: p.Thr321Ala; replaces threonine 321 with alanine.
Molecular consequence: missense variant. On other transcripts: intron variant (1).
Genome position (GRCh38, 1-based): chr2:1,477,227, A>G. VCF-style: chr2-1477227-A-G. GRCh37 (hg19) VCF-style: chr2-1480999-A-G.
Other names: c.961A>G, p.Thr321Ala (NM_000547.6, NM_001206745.2, NM_175719.4 and 1 more transcripts); c.820-7369A>G (NM_175722.3); short protein forms T321A.
Identifiers: ClinVar variation 3336262 (VCV003336262.3).